The following is an entry in ClinVar:

ClinVar aggregate classification (germline): Uncertain significance. Review status: criteria provided, multiple submitters, no conflicts (2 of 4 stars). 3 submissions from 3 submitters: Uncertain significance (3). Last evaluated 2025-08-01.

Conditions:
Inborn genetic diseases. Identifiers: MedGen C0950123, MeSH D030342.
Familial sleep-related hypermotor epilepsy. Also called: Autosomal Dominant Sleep-Related Hypermotor (Hyperkinetic) Epilepsy. Identifiers: Orphanet 98784, MedGen C3696898, MONDO:0000030.

Allele frequency attached by ClinVar (database versions not stated): ExAC 0.00001; gnomAD exomes below 0.00001.
gnomAD v4.1: 12 of 1,613,376 alleles (0.00074%); highest among the groups gnomAD compares: Admixed American, 0.0067%; no homozygotes.

Submissions (3):

Labcorp Genetics (formerly Invitae), Labcorp
Classification: Uncertain significance. Last evaluated: 2025-08-01. Review status: criteria provided, single submitter. Criteria: Invitae Variant Classification Sherloc (09022015). Collection method: clinical testing. Allele origin: germline.
Comment: This sequence change replaces valine, which is neutral and non-polar, with methionine, which is neutral and non-polar, at codon 335 of the CHRNB2 protein (p.Val335Met). This variant is present in population databases (rs200666765, gnomAD 0.003%). This variant has not been reported in the literature in individuals affected with CHRNB2-related conditions. ClinVar contains an entry for this variant (Variation ID: 2049029). Invitae Evidence Modeling of protein sequence and biophysical properties (such as structural, functional, and spatial information, amino acid conservation, physicochemical variation, residue mobility, and thermodynamic stability) indicates that this missense variant is not expected to disrupt CHRNB2 protein function with a negative predictive value of 80%. In summary, the available evidence is currently insufficient to determine the role of this variant in disease. Therefore, it has been classified as a Variant of Uncertain Significance.

GeneDx
Classification: Uncertain significance. Last evaluated: 2024-07-23. Review status: criteria provided, single submitter. Criteria: GeneDx Variant Classification Process June 2021. Collection method: clinical testing. Allele origin: germline. Affected: yes.
Comment: In silico analysis supports that this missense variant has a deleterious effect on protein structure/function; Has not been previously published as pathogenic or benign to our knowledge

Ambry Genetics
Classification: Uncertain significance for Inborn genetic diseases. Last evaluated: 2022-06-29. Review status: criteria provided, single submitter. Criteria: Ambry Variant Classification Scheme 2023. Collection method: clinical testing. Allele origin: germline.

NM_000748.3(CHRNB2):c.1003G>A (p.Val335Met)

Gene: CHRNB2 (cholinergic receptor nicotinic beta 2 subunit; plus strand). Cytogenetic location: 1q21.3.
Variant type: single nucleotide variant.
Coding change: c.1003G>A on transcript NM_000748.3 (MANE Select); coding-DNA position 1003, G replaced by A.
Protein change: p.Val335Met; replaces valine 335 with methionine.
Molecular consequence: missense variant.
Genome position (GRCh38, 1-based): chr1:154,571,826, G>A. VCF-style: chr1-154571826-G-A. GRCh37 (hg19) VCF-style: chr1-154544302-G-A.
Other names: short protein forms V335M.
Identifiers: ClinVar variation 2049029 (VCV002049029.5), dbSNP rs200666765, ClinGen allele CA1130807.